The following is an entry in ClinVar:

NM_206933.4(USH2A):c.15496A>G (p.Ile5166Val)

Gene: USH2A (usherin; minus strand). Cytogenetic location: 1q41.
Variant type: single nucleotide variant.
Coding change: c.15496A>G on transcript NM_206933.4 (MANE Select); coding-DNA position 15496, A replaced by G.
Protein change: p.Ile5166Val; replaces isoleucine 5166 with valine.
Molecular consequence: missense variant.
Genome position (GRCh38, 1-based): chr1:215,628,837, T>C on the plus strand (A>G on the coding strand, the complement: USH2A is on the minus strand). VCF-style: chr1-215628837-T-C. GRCh37 (hg19) VCF-style: chr1-215802179-T-C.
Other names: short protein forms I5166V.
Identifiers: ClinVar variation 48465 (VCV000048465.25), dbSNP rs111033419, ClinGen allele CA143403.
Genomic context (GRCh38, chr1:215,628,837, plus strand): 5'-TATTTAGCAAAGGCCCTGTATGAGGAAACCAACTCACCAGTCCACTGTTGTGGCCCATGA[T>C]GGCTTCCCACAGTGAGTTGTCCATCAAGACTTTCTTGTCTTGAATGTCCATGAGCTGGCT-3'
Protein context (NP_996816.3, residues 5156-5176): VLMDNSLWEA[Ile5166Val]MGHNSGLYVD

ClinVar aggregate classification (germline): Conflicting classifications of pathogenicity. Review status: criteria provided, conflicting classifications (1 of 4 stars). 10 submissions from 10 submitters: Pathogenic (1); Likely pathogenic (2); Uncertain significance (7). Last evaluated 2025-12-31.

Conditions:
Usher syndrome. Also called: Usher Syndromes; Usher's syndrome. Identifiers: Orphanet 886, MedGen CN469326, MeSH D052245, MONDO:0019501. Disease mechanism: loss of function.
USH2A-related disorder. Also called: USH2A-related disorders; USH2A-related condition. Identifiers: MedGen CN239332.
Usher syndrome type 2A. Also called: RETINAL DISEASE IN USHER SYNDROME TYPE IIA, MODIFIER OF; USHER SYNDROME, TYPE IIA. Identifiers: Orphanet 231178, Orphanet 886, MedGen C1848634, MONDO:0010169, OMIM 276901.
Retinitis pigmentosa 39 (RP39). Identifiers: Orphanet 791, MedGen C3151138, MONDO:0013436, OMIM 613809.

Allele frequency attached by ClinVar (database versions not stated): gnomAD exomes 0.00002 and 0.00004; ExAC 0.00004; gnomAD 0.00006 and 0.00007; TOPMed 0.00008.
gnomAD v4.1: 46 of 1,614,070 alleles (0.0028%); highest among the groups gnomAD compares: Admixed American, 0.0067%; no homozygotes.

Submissions (10):

Labcorp Genetics (formerly Invitae), Labcorp
Classification: Pathogenic. Last evaluated: 2025-12-31. Review status: criteria provided, single submitter. Criteria: Invitae Variant Classification Sherloc (09022015). Collection method: clinical testing. Allele origin: germline.
Comment: This sequence change replaces isoleucine, which is neutral and non-polar, with valine, which is neutral and non-polar, at codon 5166 of the USH2A protein (p.Ile5166Val). This variant is present in population databases (rs111033419, gnomAD 0.009%). This missense change has been observed in individual(s) with Usher syndrome (PMID: 26969326, 27460420, 32531858). ClinVar contains an entry for this variant (Variation ID: 48465). Invitae Evidence Modeling of protein sequence and biophysical properties (such as structural, functional, and spatial information, amino acid conservation, physicochemical variation, residue mobility, and thermodynamic stability) indicates that this missense variant is not expected to disrupt USH2A protein function with a negative predictive value of 95%. For these reasons, this variant has been classified as Pathogenic.

Natera, Inc.
Classification: Likely pathogenic for Usher syndrome type 2A. Last evaluated: 2025-08-20. Review status: criteria provided, single submitter. Criteria: Natera Variant Classification Schema (03/2026). Collection method: clinical testing. Allele origin: germline.
Comment: The c.15496A>G variant in USH2A is a missense variant predicted to cause substitution of isoleucine to valine at amino acid 5166. This variant is rare in the general population with a frequency below the threshold expected for the associated phenotype(s). This variant has been observed in one or more individuals affected with the associated recessive disease, as either homozygous or compound heterozygous with a second variant (PMID: 32531858, 27460420, 26969326). Given the available evidence, this variant is classified as Likely Pathogenic.

Women's Health and Genetics/Laboratory Corporation of America, LabCorp
Classification: Likely pathogenic for Usher syndrome. Last evaluated: 2025-08-18. Review status: criteria provided, single submitter. Criteria: LabCorp Variant Classification Summary - May 2015. Collection method: clinical testing. Allele origin: germline.
Comment: Variant summary: USH2A c.15496A>G (p.Ile5166Val) results in a conservative amino acid change in the encoded protein sequence. Algorithms developed to predict the effect of missense changes on protein structure and function all suggest that this variant is likely to be tolerated. The variant allele was found at a frequency of 3.6e-05 in 251472 control chromosomes. c.15496A>G has been observed in individuals affected with Usher Syndrome as a biallelic genotype or without reported second variant (e.g. Sloan-Heggen_2016, Bonnet_2016, Weisschuh_2020, Fakin_2021, Hufnagel_2022). These data indicate that the variant may be associated with disease. To our knowledge, no experimental evidence demonstrating an impact on protein function has been reported. The following publications have been ascertained in the context of this evaluation (PMID: 27460420, 34638692, 35266249, 26969326, 32531858). ClinVar contains an entry for this variant (Variation ID: 48465). Based on the evidence outlined above, the variant was classified as likely pathogenic.

PreventionGenetics, part of Exact Sciences
Classification: Uncertain significance for USH2A-related condition. Last evaluated: 2025-06-12. Review status: criteria provided, single submitter. Criteria: ACMG Guidelines, 2015. Collection method: clinical testing. Allele origin: germline.
Comment: The USH2A c.15496A>G variant is predicted to result in the amino acid substitution p.Ile5166Val. This variant has been reported along with a second USH2A variant in an individual with hearing loss (Table S3, Sloan-Heggen et al. 2016. PubMed ID: 26969326), an individual with Usher syndrome (Table S2, Bonnet et al. 2016. PubMed ID: 27460420), and an individual with retinal disease (Table S1, Weisschuh et al. 2020. PubMed ID: 32531858). This variant has also been reported in a cohort study of USH2A-disorders (Hufnagel et al. 2022. PubMed ID: 35266249). This variant is reported in 0.0085% of alleles in individuals of European (Non-Finnish) descent in gnomAD. Although we suspect that this variant may be pathogenic, at this time, the clinical significance of this variant is uncertain due to the absence of conclusive functional and genetic evidence.

GeneDx
Classification: Uncertain significance. Last evaluated: 2024-10-15. Review status: criteria provided, single submitter. Criteria: GeneDx Variant Classification Process June 2021. Collection method: clinical testing. Allele origin: germline. Affected: yes.
Comment: In silico analysis indicates that this missense variant does not alter protein structure/function; This variant is associated with the following publications: (PMID: 32531858, 26969326, 27460420, 35266249)

Blueprint Genetics
Classification: Uncertain significance. Last evaluated: 2024-04-15. Review status: criteria provided, single submitter. Criteria: ACMG Guidelines, 2015. Collection method: clinical testing. Allele origin: germline.

Baylor Genetics
Classification: Uncertain significance for Retinitis pigmentosa 39. Last evaluated: 2023-11-24. Review status: criteria provided, single submitter. Criteria: ACMG Guidelines, 2015. Collection method: clinical testing. Allele origin: unknown.

Fulgent Genetics
Classification: Uncertain significance for Usher syndrome type 2A; Retinitis pigmentosa 39. Last evaluated: 2022-05-04. Review status: criteria provided, single submitter. Criteria: ACMG Guidelines, 2015. Collection method: clinical testing. Allele origin: unknown.

Myriad Genetics, Inc.
Classification: Uncertain significance for Usher syndrome type 2A. Last evaluated: 2021-11-09. Review status: criteria provided, single submitter. Criteria: Myriad Women's Health Autosomal Recessive and X-Linked Classification Criteria (2021). Collection method: clinical testing. Allele origin: unknown.
Comment: NM_206933.2(USH2A):c.15496A>G(I5166V) is a missense variant classified as a variant of uncertain significance in the context of USH2A-related disorders. I5166V has been observed in cases with relevant disease (PMID: 27460420, 32531858, 26969326). Functional assessments of this variant are not available in the literature. I5166V has been observed in population frequency databases (gnomAD: NFE 0.01%). In summary, there is insufficient evidence to classify NM_206933.2(USH2A):c.15496A>G(I5166V) as pathogenic or benign. Please note: this variant was assessed in the context of healthy population screening.

Laboratory for Molecular Medicine, Mass General Brigham Personalized Medicine
Classification: Uncertain significance. Last evaluated: 2009-05-15. Review status: criteria provided, single submitter. Criteria: LMM Criteria. Collection method: clinical testing. Allele origin: germline. Observed: 1 variant allele.

Literature cited by the submitters: PubMed 26969326 (cited by 4 submitters); PubMed 27460420 (cited by 4 submitters); PubMed 32531858 (cited by 4 submitters); PubMed 34638692 (cited by Women's Health and Genetics/Laboratory Corporation of America, LabCorp); PubMed 35266249 (cited by Women's Health and Genetics/Laboratory Corporation of America, LabCorp).